The following is an entry in ClinVar:

ClinVar aggregate classification (germline): Conflicting classifications of pathogenicity. Review status: criteria provided, conflicting classifications (1 of 4 stars). 2 submissions from 2 submitters: Uncertain significance (1); Likely benign (1). Last evaluated 2024-12-12.

Conditions:
Inborn genetic diseases. Identifiers: MedGen C0950123, MeSH D030342.

Allele frequency attached by ClinVar (database versions not stated): gnomAD exomes 0.00001; TOPMed 0.00001; ExAC 0.00003.
gnomAD v4.1: 8 of 1,613,286 alleles (0.0005%); highest among the groups gnomAD compares: Admixed American, 0.0033%; no homozygotes.

Submissions (2):

Labcorp Genetics (formerly Invitae), Labcorp
Classification: Uncertain significance. Last evaluated: 2024-12-12. Review status: criteria provided, single submitter. Criteria: Invitae Variant Classification Sherloc (09022015). Collection method: clinical testing. Allele origin: germline.
Comment: This sequence change replaces arginine, which is basic and polar, with glutamine, which is neutral and polar, at codon 2382 of the KMT2A protein (p.Arg2382Gln). This variant is present in population databases (rs782199472, gnomAD 0.03%). This variant has not been reported in the literature in individuals affected with KMT2A-related conditions. ClinVar contains an entry for this variant (Variation ID: 2298053). Invitae Evidence Modeling of protein sequence and biophysical properties (such as structural, functional, and spatial information, amino acid conservation, physicochemical variation, residue mobility, and thermodynamic stability) indicates that this missense variant is not expected to disrupt KMT2A protein function with a negative predictive value of 95%. In summary, the available evidence is currently insufficient to determine the role of this variant in disease. Therefore, it has been classified as a Variant of Uncertain Significance.

Ambry Genetics
Classification: Likely benign for Inborn genetic diseases. Last evaluated: 2022-06-27. Review status: criteria provided, single submitter. Criteria: Ambry Variant Classification Scheme 2023. Collection method: clinical testing. Allele origin: germline.

NM_001197104.2(KMT2A):c.7145G>A (p.Arg2382Gln)

Gene: KMT2A (lysine methyltransferase 2A; plus strand). Cytogenetic location: 11q23.3.
Variant type: single nucleotide variant.
Coding change: c.7145G>A on transcript NM_001197104.2 (MANE Select); coding-DNA position 7145, G replaced by A.
Protein change: p.Arg2382Gln; replaces arginine 2382 with glutamine.
Molecular consequence: missense variant.
Genome position (GRCh38, 1-based): chr11:118,503,037, G>A. VCF-style: chr11-118503037-G-A. GRCh37 (hg19) VCF-style: chr11-118373752-G-A.
Other names: c.7235G>A, p.Arg2412Gln (NM_001412597.1); c.7136G>A, p.Arg2379Gln (NM_005933.4); short protein forms R2382Q, R2412Q, R2379Q.
Identifiers: ClinVar variation 2298053 (VCV002298053.5), dbSNP rs782199472, ClinGen allele CA6304366.
Genomic context (GRCh38, chr11:118,503,037, plus strand): 5'-TTTCTTCTAAAGAGGCCCTCTCCTTCCCACACCTCCATTTGAGAGGGCAAAGGAATGATC[G>A]AGACCAACACACAGATTCTACCCAATCAGCAAACTCCTCTCCAGATGAAGATACTGAAGT-3'
Protein context (NP_001184033.1, residues 2372-2392): HLHLRGQRND[Arg2382Gln]DQHTDSTQSA